The following is an entry in ClinVar:

ClinVar aggregate classification (germline): Uncertain significance. Review status: criteria provided, multiple submitters, no conflicts (2 of 4 stars). 2 submissions from 2 submitters: Uncertain significance (2). Last evaluated 2025-08-25.

Conditions:
Rhabdoid tumor predisposition syndrome 2 (RTPS2). Identifiers: Orphanet 231108, Orphanet 69077, MedGen C2750074, MONDO:0013224, OMIM 613325.
Hereditary cancer-predisposing syndrome. Also called: Tumor predisposition; Hereditary Cancer Syndrome; Hereditary neoplastic syndrome; Neoplastic Syndromes, Hereditary. Identifiers: Orphanet 140162, MedGen C0027672, MeSH D009386, MONDO:0015356.

Submissions (2):

Labcorp Genetics (formerly Invitae), Labcorp
Classification: Uncertain significance for Rhabdoid tumor predisposition syndrome 2. Last evaluated: 2025-08-25. Review status: criteria provided, single submitter. Criteria: Invitae Variant Classification Sherloc (09022015). Collection method: clinical testing. Allele origin: germline.
Comment: This sequence change replaces alanine, which is neutral and non-polar, with threonine, which is neutral and polar, at codon 1568 of the SMARCA4 protein (p.Ala1568Thr). This variant is not present in population databases (gnomAD no frequency). This variant has not been reported in the literature in individuals affected with SMARCA4-related conditions. ClinVar contains an entry for this variant (Variation ID: 1468110). Invitae Evidence Modeling of protein sequence and biophysical properties (such as structural, functional, and spatial information, amino acid conservation, physicochemical variation, residue mobility, and thermodynamic stability) indicates that this missense variant is expected to disrupt SMARCA4 protein function with a positive predictive value of 80%. In summary, the available evidence is currently insufficient to determine the role of this variant in disease. Therefore, it has been classified as a Variant of Uncertain Significance.

Ambry Genetics
Classification: Uncertain significance for Hereditary cancer-predisposing syndrome. Last evaluated: 2024-11-26. Review status: criteria provided, single submitter. Criteria: Ambry Variant Classification Scheme 2023. Collection method: clinical testing. Allele origin: germline.
Comment: The p.A1568T variant (also known as c.4702G>A), located in coding exon 32 of the SMARCA4 gene, results from a G to A substitution at nucleotide position 4702. The alanine at codon 1568 is replaced by threonine, an amino acid with similar properties. This amino acid position is highly conserved in available vertebrate species. In addition, this alteration is predicted to be deleterious by in silico analysis. Since supporting evidence is limited at this time, the clinical significance of this alteration remains unclear.

NM_003072.5(SMARCA4):c.4606G>A (p.Ala1536Thr)

Gene: SMARCA4 (SWI/SNF related BAF chromatin remodeling complex subunit ATPase 4; plus strand). Cytogenetic location: 19p13.2.
Variant type: single nucleotide variant.
Coding change: c.4606G>A on transcript NM_003072.5 (MANE Select); coding-DNA position 4606, G replaced by A.
Protein change: p.Ala1536Thr; replaces alanine 1536 with threonine.
Molecular consequence: missense variant. On other transcripts: non-coding transcript variant (1).
Genome position (GRCh38, 1-based): chr19:11,058,860, G>A. VCF-style: chr19-11058860-G-A. GRCh37 (hg19) VCF-style: chr19-11169536-G-A.
Other names: c.4606G>A, p.Ala1536Thr (NM_001128844.3); c.4516G>A, p.Ala1506Thr (NM_001128845.2); c.4513G>A, p.Ala1505Thr (NM_001128846.2); c.4507G>A, p.Ala1503Thr (NM_001128847.4, NM_001374457.1); c.4504G>A, p.Ala1502Thr (NM_001128848.2); c.4702G>A, p.Ala1568Thr (NM_001128849.3, NM_001387283.1); short protein forms A1503T, A1506T, A1536T, A1502T, A1568T, A1505T.
Identifiers: ClinVar variation 1468110 (VCV001468110.11), dbSNP rs2147098587, ClinGen allele CA404079003.